The following is an entry in ClinVar:

NM_000497.4(CYP11B1):c.825T>G (p.Tyr275Ter)

Genes: CYP11B1 (cytochrome P450 family 11 subfamily B member 1; minus strand), LOC106799833 (CYP11B1 recombination region; plus strand). Cytogenetic location: 8q24.3.
Variant type: single nucleotide variant.
Coding change: c.825T>G on transcript NM_000497.4 (MANE Select); coding-DNA position 825, T replaced by G.
Protein change: p.Tyr275Ter; replaces tyrosine 275 with a stop codon.
Molecular consequence: nonsense.
Genome position (GRCh38, 1-based): chr8:142,876,370, A>C on the plus strand (T>G on the coding strand, the complement: CYP11B1 is on the minus strand). VCF-style: chr8-142876370-A-C. GRCh37 (hg19) VCF-style: chr8-143957786-A-C.
Other names: c.825T>G, p.Tyr275Ter (NM_001026213.1); short protein forms Y275*.
Identifiers: ClinVar variation 984081 (VCV000984081.3), dbSNP rs5290, ClinGen allele CA372395298.

ClinVar aggregate classification (germline): Likely pathogenic (1 of 4 stars; one submission).

Conditions:
Deficiency of steroid 11-beta-monooxygenase (CYP11B1). Also called: ADRENAL HYPERPLASIA, CONGENITAL, DUE TO STEROID 11-BETA-HYDROXYLASE DEFICIENCY; 11-BETA-HYDROXYLASE DEFICIENCY; P450C11B1 DEFICIENCY; STEROID 11-BETA-HYDROXYLASE DEFICIENCY; Congenital adrenal hyperplasia due to 11-beta-hydroxylase deficiency; ADRENAL HYPERPLASIA IV. Identifiers: Orphanet 90795, MedGen C0268292, MONDO:0008729, OMIM 202010. Disease mechanism: loss of function.

Submission:

Myriad Genetics, Inc.
Classification: Likely pathogenic for Deficiency of steroid 11-beta-monooxygenase. Last evaluated: 2020-02-17. Review status: criteria provided, single submitter. Criteria: Myriad Women's Health Autosomal Recessive and X-Linked Classification Criteria (2019). Collection method: clinical testing. Allele origin: unknown.
Comment: NM_000497.3(CYP11B1):c.825T>G(Y275*) is expected to be pathogenic in the context of 11-beta-hydroxylase-deficient congenital adrenal hyperplasia. This variant is predicted to lead to an abnormal or absent protein product due to the creation of a premature termination codon in CYP11B1, a gene where loss-of-function variants are known to be pathogenic. Please note: this variant was assessed in the context of healthy population screening.